The following is an entry in ClinVar:

NM_004655.4(AXIN2):c.2079G>T (p.Thr693=)

Gene: AXIN2 (axin 2; minus strand). Cytogenetic location: 17q24.1.
Variant type: single nucleotide variant.
Coding change: c.2079G>T on transcript NM_004655.4 (MANE Select); coding-DNA position 2079, G replaced by T.
Protein change: p.Thr693=; no amino-acid change (threonine 693 retained).
Molecular consequence: synonymous variant.
Genome position (GRCh38, 1-based): chr17:65,536,382, C>A on the plus strand (G>T on the coding strand, the complement: AXIN2 is on the minus strand). VCF-style: chr17-65536382-C-A. GRCh37 (hg19) VCF-style: chr17-63532500-C-A.
Other names: c.1884G>T, p.Thr628= (NM_001363813.1).
Identifiers: ClinVar variation 747447 (VCV000747447.14), dbSNP rs551098654, ClinGen allele CA8718413.

ClinVar aggregate classification (germline): Benign/Likely benign. Review status: criteria provided, multiple submitters, no conflicts (2 of 4 stars). 3 submissions from 3 submitters: Benign (1); Likely benign (2). Last evaluated 2025-11-05.

Conditions:
Hereditary cancer-predisposing syndrome. Also called: Tumor predisposition; Hereditary neoplastic syndrome; Neoplastic Syndromes, Hereditary; Hereditary Cancer Syndrome. Identifiers: Orphanet 140162, MedGen C0027672, MeSH D009386, MONDO:0015356.
Oligodontia-cancer predisposition syndrome. Also called: TOOTH AGENESIS-COLORECTAL CANCER SYNDROME. Identifiers: Orphanet 300576, MedGen C1837750, MONDO:0012075, OMIM 608615. Disease mechanism: loss of function.

gnomAD v4.1: 4 of 1,613,722 alleles (0.00025%); highest among the groups gnomAD compares: Non-Finnish European, 0.00034%; no homozygotes.

Submissions (3):

Labcorp Genetics (formerly Invitae), Labcorp
Classification: Likely benign for Oligodontia-cancer predisposition syndrome. Last evaluated: 2025-11-05. Review status: criteria provided, single submitter. Criteria: Invitae Variant Classification Sherloc (09022015). Collection method: clinical testing. Allele origin: germline.

Myriad Genetics, Inc.
Classification: Benign for Oligodontia-cancer predisposition syndrome. Last evaluated: 2024-07-09. Review status: criteria provided, single submitter. Criteria: Myriad Autosomal Dominant, Autosomal Recessive and X-Linked Classification Criteria (2023). Collection method: clinical testing. Allele origin: unknown.
Comment: This variant is considered benign. This variant is a silent/synonymous amino acid change and it is not expected to impact splicing.

Ambry Genetics
Classification: Likely benign for Hereditary cancer-predisposing syndrome. Last evaluated: 2020-12-23. Review status: criteria provided, single submitter. Criteria: Ambry Variant Classification Scheme 2023. Collection method: clinical testing. Allele origin: germline.